The following is an entry in ClinVar:

NM_000051.4(ATM):c.2462del (p.Ser821fs)

Gene: ATM (ATM serine/threonine kinase; plus strand). Cytogenetic location: 11q22.3.
Variant type: Deletion.
Coding change: c.2462del on transcript NM_000051.4 (MANE Select); coding-DNA position 2462, one base deleted (G; older notation c.2462delG).
Protein change: p.Ser821fs; shifts the reading frame from serine 821.
Molecular consequence: frameshift variant.
Genome position (GRCh38, 1-based): chr11:108,259,071, G deleted. VCF-style (leftmost placement, unchanged base first): chr11-108259070-AG-A. GRCh37 (hg19) VCF-style: chr11-108129797-AG-A.
Other names: c.2462delG (NM_000051.3); c.2462del, p.Ser821fs (NM_001351834.2); short protein forms S821fs.
Identifiers: ClinVar variation 920343 (VCV000920343.8), dbSNP rs2080701610, ClinGen allele CA1139662171.

ClinVar aggregate classification (germline): Pathogenic. Review status: criteria provided, multiple submitters, no conflicts (2 of 4 stars). 3 submissions from 3 submitters: Pathogenic (3). Last evaluated 2025-09-22.

Conditions:
Hereditary cancer-predisposing syndrome. Also called: Hereditary Cancer Syndrome; Hereditary neoplastic syndrome; Neoplastic Syndromes, Hereditary; Tumor predisposition. Identifiers: Orphanet 140162, MedGen C0027672, MeSH D009386, MONDO:0015356.
Ataxia-telangiectasia syndrome (AT). Also called: Ataxia-telangiectasia, complementation group E; LOUIS-BAR SYNDROME; Cerebello-oculocutaneous telangiectasia; Immunodeficiency with ataxia telangiectasia; Ataxia-telangiectasia, complementation group D; AT, COMPLEMENTATION GROUP C. Identifiers: Orphanet 100, MedGen C0004135, MONDO:0008840, OMIM 208900.

Submissions (3):

Ambry Genetics
Classification: Pathogenic for Hereditary cancer-predisposing syndrome. Last evaluated: 2025-09-22. Review status: criteria provided, single submitter. Criteria: Ambry Variant Classification Scheme 2023. Collection method: clinical testing. Allele origin: germline.
Comment: The c.2462delG pathogenic mutation, located in coding exon 15 of the ATM gene, results from a deletion of one nucleotide at nucleotide position 2462, causing a translational frameshift with a predicted alternate stop codon (p.S821Ifs*2). This variant is considered to be rare based on population cohorts in the Genome Aggregation Database (gnomAD). This alteration is expected to result in loss of function by premature protein truncation or nonsense-mediated mRNA decay. As such, this alteration is interpreted as a disease-causing mutation.

Labcorp Genetics (formerly Invitae), Labcorp
Classification: Pathogenic for Ataxia-telangiectasia syndrome. Last evaluated: 2024-04-10. Review status: criteria provided, single submitter. Criteria: Invitae Variant Classification Sherloc (09022015). Collection method: clinical testing. Allele origin: germline.
Comment: This sequence change creates a premature translational stop signal (p.Ser821Ilefs*2) in the ATM gene. It is expected to result in an absent or disrupted protein product. Loss-of-function variants in ATM are known to be pathogenic (PMID: 23807571, 25614872). This variant is not present in population databases (gnomAD no frequency). This variant has not been reported in the literature in individuals affected with ATM-related conditions. ClinVar contains an entry for this variant (Variation ID: 920343). For these reasons, this variant has been classified as Pathogenic.

Color Diagnostics, LLC DBA Color Health
Classification: Pathogenic for Hereditary cancer-predisposing syndrome. Last evaluated: 2020-02-09. Review status: criteria provided, single submitter. Criteria: ACMG Guidelines, 2015. Collection method: clinical testing. Allele origin: germline.
Comment: This variant deletes 1 nucleotide in exon 16 of the ATM gene, creating a frameshift and premature translation stop signal. This variant is expected to result in an absent or non-functional protein product. To our knowledge, this variant has not been reported in individuals affected with hereditary cancer in the literature. This variant has not been identified in the general population by the Genome Aggregation Database (gnomAD). Loss of ATM function is a known mechanism of disease. Based on the available evidence, this variant is classified as Pathogenic.

Literature cited by the submitters: PubMed 23807571 (cited by Labcorp Genetics (formerly Invitae), Labcorp); PubMed 25614872 (cited by Labcorp Genetics (formerly Invitae), Labcorp).